The following is an entry in ClinVar:

NM_181712.5(KANK4):c.207G>A (p.Leu69=)

Gene: KANK4 (KN motif and ankyrin repeat domains 4; minus strand). Cytogenetic location: 1p31.3.
Variant type: single nucleotide variant.
Coding change: c.207G>A on transcript NM_181712.5 (MANE Select); coding-DNA position 207, G replaced by A.
Protein change: p.Leu69=; no amino-acid change (leucine 69 retained).
Molecular consequence: synonymous variant. On other transcripts: intron variant (1).
Genome position (GRCh38, 1-based): chr1:62,274,897, C>T on the plus strand (G>A on the coding strand, the complement: KANK4 is on the minus strand). VCF-style: chr1-62274897-C-T. GRCh37 (hg19) VCF-style: chr1-62740569-C-T.
Other names: c.17-3308G>A (NM_001320269.2); c.207G>A (NM_181712.4).
Identifiers: ClinVar variation 2046918 (VCV002046918.7), dbSNP rs139247138, ClinGen allele CA884622.

ClinVar aggregate classification (germline): Likely benign. Review status: criteria provided, multiple submitters, no conflicts (2 of 4 stars). 3 submissions from 3 submitters: Likely benign (2). 1 of the submissions does not count toward it. Last evaluated 2024-10-25.

Conditions:
KANK4-related disorder. Also called: KANK4-related condition.

Allele frequency attached by ClinVar (database versions not stated): 1000 Genomes Project 30x 0.00016; ExAC 0.00017; 1000 Genomes Project 0.00020; gnomAD 0.00020; TOPMed 0.00021; ESP Exome Variant Server 0.00031; gnomAD exomes 0.00049.
gnomAD v4.1: 754 of 1,614,166 alleles (0.047%); highest among the groups gnomAD compares: Non-Finnish European, 0.06%; no homozygotes.

Submissions (3):

Labcorp Genetics (formerly Invitae), Labcorp
Classification: Likely benign. Last evaluated: 2024-10-25. Review status: criteria provided, single submitter. Criteria: Invitae Variant Classification Sherloc (09022015). Collection method: clinical testing. Allele origin: germline.

Blueprint Genetics
Classification: Likely benign. Last evaluated: 2024-09-21. Review status: criteria provided, single submitter. Criteria: ACMG Guidelines, 2015. Collection method: clinical testing. Allele origin: germline.

PreventionGenetics, part of Exact Sciences
Classification: Likely benign for KANK4-related condition. Last evaluated: 2022-02-15. Review status: no assertion criteria provided. Collection method: clinical testing. Allele origin: germline. Not counted in ClinVar's aggregate classification.
Comment: This variant is classified as likely benign based on ACMG/AMP sequence variant interpretation guidelines (Richards et al. 2015 PMID: 25741868, with internal and published modifications).